The following is an entry in ClinVar:

ClinVar aggregate classification (germline): Uncertain significance. Review status: criteria provided, multiple submitters, no conflicts (2 of 4 stars). 4 submissions from 3 submitters: Uncertain significance (4). Last evaluated 2025-01-03.

Conditions:
Inborn genetic diseases. Identifiers: MedGen C0950123, MeSH D030342.
Distal arthrogryposis type 2B1 (DA2B1). Also called: Arthrogryposis multiplex congenita distal type II with craniofacial abnormalities. Identifiers: Orphanet 1147, MedGen C5193014, MONDO:0020820, OMIM 601680.
Freeman-Sheldon syndrome (DA2A). Also called: CRANIOCARPOTARSAL DYSPLASIA; CRANIOCARPOTARSAL DYSTROPHY; WHISTLING FACE-WINDMILL VANE HAND SYNDROME; Arthrogryposis, distal, type 2A (Freeman-Sheldon). Identifiers: Orphanet 2053, MedGen C0265224, MONDO:0008675, OMIM 193700.

Allele frequency attached by ClinVar (database versions not stated): gnomAD exomes below 0.00001; TOPMed 0.00001.
gnomAD v4.1: 2 of 1,614,180 alleles (0.00012%); highest among the groups gnomAD compares: Non-Finnish European, 0.000085%; no homozygotes.

Submissions (4):

Women's Health and Genetics/Laboratory Corporation of America, LabCorp
Classification: Uncertain significance. Last evaluated: 2025-01-03. Review status: criteria provided, single submitter. Criteria: LabCorp Variant Classification Summary - May 2015. Collection method: clinical testing. Allele origin: germline.
Comment: Variant summary: MYH3 c.1211G>C (p.Arg404Thr) results in a non-conservative amino acid change located in the Myosin head, motor domain-like domain (IPR001609) of the encoded protein sequence. Five of five in-silico tools predict a damaging effect of the variant on protein function. The variant allele was found at a frequency of 4e-06 in 250780 control chromosomes. The available data on variant occurrences in the general population are insufficient to allow any conclusion about variant significance. To our knowledge, no occurrence of c.1211G>C in individuals affected with MYH3-Related Disorders and no experimental evidence demonstrating its impact on protein function have been reported. ClinVar contains an entry for this variant (Variation ID: 321762). Based on the evidence outlined above, the variant was classified as uncertain significance.

Ambry Genetics
Classification: Uncertain significance for Inborn genetic diseases. Last evaluated: 2022-12-21. Review status: criteria provided, single submitter. Criteria: Ambry Variant Classification Scheme 2023. Collection method: clinical testing. Allele origin: germline.

Illumina Laboratory Services, Illumina
Classification: Uncertain significance for Distal arthrogryposis type 2B1. Last evaluated: 2018-01-13. Review status: criteria provided, single submitter. Criteria: ICSL Variant Classification Criteria 13 December 2019. Collection method: clinical testing. Allele origin: germline.

Illumina Laboratory Services, Illumina
Classification: Uncertain significance for Freeman-Sheldon syndrome. Last evaluated: 2018-01-13. Review status: criteria provided, single submitter. Criteria: ICSL Variant Classification Criteria 13 December 2019. Collection method: clinical testing. Allele origin: germline.

NM_002470.4(MYH3):c.1211G>C (p.Arg404Thr)

Gene: MYH3 (myosin heavy chain 3; minus strand). Cytogenetic location: 17p13.1.
Variant type: single nucleotide variant.
Coding change: c.1211G>C on transcript NM_002470.4 (MANE Select); coding-DNA position 1211, G replaced by C.
Protein change: p.Arg404Thr; replaces arginine 404 with threonine.
Molecular consequence: missense variant.
Genome position (GRCh38, 1-based): chr17:10,644,633, C>G on the plus strand (G>C on the coding strand, the complement: MYH3 is on the minus strand). VCF-style: chr17-10644633-C-G. GRCh37 (hg19) VCF-style: chr17-10547950-C-G.
Other names: short protein forms R404T.
Identifiers: ClinVar variation 321762 (VCV000321762.9), dbSNP rs886052584, ClinGen allele CA10638918.